The following is an entry in ClinVar:

ClinVar aggregate classification (germline): Uncertain significance (1 of 4 stars; one submission).

Allele frequency attached by ClinVar (database versions not stated): gnomAD 0.00002; ExAC 0.00010; gnomAD exomes 0.00006.
gnomAD v4.1: 17 of 1,612,960 alleles (0.0011%); highest among the groups gnomAD compares: East Asian, 0.038%; no homozygotes.

Submission:

GeneDx
Classification: Uncertain significance. Last evaluated: 2026-10-07. Review status: criteria provided, single submitter. Criteria: GeneDx Variant Classification Process June 2021. Collection method: clinical testing. Allele origin: germline.
Comment: In silico analysis supports that this missense variant has a deleterious effect on protein structure/function; Has not been previously published as pathogenic or benign to our knowledge

NM_022089.4(ATP13A2):c.833C>A (p.Thr278Asn)

Gene: ATP13A2 (ATPase cation transporting 13A2; minus strand). Cytogenetic location: 1p36.13.
Variant type: single nucleotide variant.
Coding change: c.833C>A on transcript NM_022089.4 (MANE Select); coding-DNA position 833, C replaced by A.
Protein change: p.Thr278Asn; replaces threonine 278 with asparagine.
Molecular consequence: missense variant.
Genome position (GRCh38, 1-based): chr1:17,000,407, G>T on the plus strand (C>A on the coding strand, the complement: ATP13A2 is on the minus strand). VCF-style: chr1-17000407-G-T. GRCh37 (hg19) VCF-style: chr1-17326902-G-T.
Other names: c.818C>A, p.Thr273Asn (NM_001141973.3, NM_001141974.3); short protein forms T273N, T278N.
Identifiers: ClinVar variation 1188010 (VCV001188010.3), dbSNP rs773768330, ClinGen allele CA637483.